The following is an entry in ClinVar:

Conditions:
Arteriohepatic dysplasia. Also called: Alagille Syndrome. Identifiers: Orphanet 52, MedGen C0085280, MeSH D016738, MONDO:0007318.

Submission:

Gilbert/Spinner Lab, Children's Hospital of Philadelphia
No classification provided (evidence only). Condition: Alagille syndrome. Review status: no classification provided. Collection method: research. Allele origin: not applicable. Functional consequence: functionally_abnormal.
ClinVar note: "not provided" was previously submitted as the classification for the variant. However, the classification appeared to be based only on an observation of functional data so it was converted to no classification on 2025-07-30.

NM_000214.3(JAG1):c.850T>G (p.Cys284Gly)

Gene: JAG1 (jagged canonical Notch ligand 1; minus strand). Cytogenetic location: 20p12.2.
Variant type: single nucleotide variant.
Coding change: c.850T>G on transcript NM_000214.3 (MANE Select); coding-DNA position 850, T replaced by G.
Protein change: p.Cys284Gly; replaces cysteine 284 with glycine.
Molecular consequence: missense variant.
Genome position (GRCh38, 1-based): chr20:10,652,504, A>C on the plus strand (T>G on the coding strand, the complement: JAG1 is on the minus strand). VCF-style: chr20-10652504-A-C. GRCh37 (hg19) VCF-style: chr20-10633152-A-C.
Other names: short protein forms C284G.
Identifiers: ClinVar variation 3573139 (VCV003573139.2).